The following is an entry in ClinVar:

ClinVar aggregate classification (germline): Uncertain significance. Review status: criteria provided, multiple submitters, no conflicts (2 of 4 stars). 5 submissions from 5 submitters: Uncertain significance (5). Last evaluated 2024-06-17.

Conditions:
Hereditary cancer-predisposing syndrome. Also called: Tumor predisposition; Neoplastic Syndromes, Hereditary; Hereditary Cancer Syndrome; Hereditary neoplastic syndrome. Identifiers: Orphanet 140162, MedGen C0027672, MeSH D009386, MONDO:0015356.
Peutz-Jeghers syndrome (PJS). Also called: POLYPOSIS, HAMARTOMATOUS INTESTINAL; POLYPS-AND-SPOTS SYNDROME; Peutz-Jeghers polyposis; Periorificial lentiginosis syndrome. Identifiers: Orphanet 2869, MedGen C0031269, MeSH D010580, MONDO:0008280, OMIM 175200.

Submissions (5):

Labcorp Genetics (formerly Invitae), Labcorp
Classification: Uncertain significance for Peutz-Jeghers syndrome. Last evaluated: 2024-06-17. Review status: criteria provided, single submitter. Criteria: Invitae Variant Classification Sherloc (09022015). Collection method: clinical testing. Allele origin: germline.
Comment: This sequence change replaces threonine, which is neutral and polar, with isoleucine, which is neutral and non-polar, at codon 230 of the STK11 protein (p.Thr230Ile). This variant is not present in population databases (gnomAD no frequency). This variant has not been reported in the literature in individuals affected with STK11-related conditions. ClinVar contains an entry for this variant (Variation ID: 492550). Advanced modeling of protein sequence and biophysical properties (such as structural, functional, and spatial information, amino acid conservation, physicochemical variation, residue mobility, and thermodynamic stability) performed at Invitae indicates that this missense variant is not expected to disrupt STK11 protein function with a negative predictive value of 80%. In summary, the available evidence is currently insufficient to determine the role of this variant in disease. Therefore, it has been classified as a Variant of Uncertain Significance.

All of Us Research Program, National Institutes of Health
Classification: Uncertain significance for Peutz-Jeghers syndrome. Last evaluated: 2023-03-23. Review status: criteria provided, single submitter. Criteria: ACMG Guidelines, 2015. Collection method: clinical testing. Allele origin: germline. Inheritance: Autosomal dominant inheritance. Observed: 1 variant allele, 1 heterozygote.
Comment: This missense variant replaces threonine with isoleucine at codon 230 of the STK11 protein. Computational prediction suggests that this variant may not impact protein structure and function (internally defined REVEL score threshold <= 0.5, PMID: 27666373). To our knowledge, functional studies have not been reported for this variant. This variant has not been reported in individuals affected with STK11-related disorders in the literature. This variant has not been identified in the general population by the Genome Aggregation Database (gnomAD). The available evidence is insufficient to determine the role of this variant in disease conclusively. Therefore, this variant is classified as a Variant of Uncertain Significance.

This study involves interpretation of variants in research participants for the purpose of population health screening. Participant phenotype was not available at the time of variant classification. Additional details can be found in publication PMID: 35346344, PMCID: PMC8962531

Color Diagnostics, LLC DBA Color Health
Classification: Uncertain significance for Hereditary cancer-predisposing syndrome. Last evaluated: 2023-02-22. Review status: criteria provided, single submitter. Criteria: ACMG Guidelines, 2015. Collection method: clinical testing. Allele origin: germline.
Comment: This missense variant replaces threonine with isoleucine at codon 230 of the STK11 protein. Computational prediction suggests that this variant may not impact protein structure and function (internally defined REVEL score threshold <= 0.5, PMID: 27666373). To our knowledge, functional studies have not been reported for this variant. This variant has not been reported in individuals affected with STK11-related disorders in the literature. This variant has not been identified in the general population by the Genome Aggregation Database (gnomAD). The available evidence is insufficient to determine the role of this variant in disease conclusively. Therefore, this variant is classified as a Variant of Uncertain Significance.

Ambry Genetics
Classification: Uncertain significance for Hereditary cancer-predisposing syndrome. Last evaluated: 2022-08-30. Review status: criteria provided, single submitter. Criteria: Ambry Variant Classification Scheme 2023. Collection method: clinical testing. Allele origin: germline.
Comment: The p.T230I variant (also known as c.689C>T), located in coding exon 5 of the STK11 gene, results from a C to T substitution at nucleotide position 689. The threonine at codon 230 is replaced by isoleucine, an amino acid with similar properties. This amino acid position is conserved. In addition, the in silico prediction for this alteration is inconclusive. Since supporting evidence is limited at this time, the clinical significance of this alteration remains unclear.

Genome-Nilou Lab
Classification: Uncertain significance for Peutz-Jeghers syndrome. Last evaluated: 2021-07-15. Review status: criteria provided, single submitter. Criteria: ACMG Guidelines, 2015. Collection method: clinical testing. Allele origin: germline. Affected: no.

NM_000455.5(STK11):c.689C>T (p.Thr230Ile)

Gene: STK11 (serine/threonine kinase 11; plus strand). Cytogenetic location: 19p13.3.
Variant type: single nucleotide variant.
Coding change: c.689C>T on transcript NM_000455.5 (MANE Select); coding-DNA position 689, C replaced by T.
Protein change: p.Thr230Ile; replaces threonine 230 with isoleucine.
Molecular consequence: missense variant.
Genome position (GRCh38, 1-based): chr19:1,220,672, C>T. VCF-style: chr19-1220672-C-T. GRCh37 (hg19) VCF-style: chr19-1220671-C-T.
Other names: short protein forms T230I.
Identifiers: ClinVar variation 492550 (VCV000492550.22), dbSNP rs1555738440, ClinGen allele CA402949809.